The following is an entry in ClinVar:

ClinVar aggregate classification (germline): Uncertain significance (1 of 4 stars; one submission).

Conditions:
Familial intrahepatic cholestasis. Identifiers: Orphanet 284385, MedGen CN296401, MONDO:0017290.

Submission:

Genomenon, Inc
Classification: Uncertain significance for Familial intrahepatic cholestasis. Last evaluated: 2026-04-14. Review status: criteria provided, single submitter. Criteria: Genomenon Sequence Variant Interpretation Standards - Updated. Collection method: curation. Allele origin: germline. Affected: yes.
Comment: ABCB4 p.Gln725Pro (c.2174_2175delinsCC) is a deletion-insertion variant that changes the amino acid at residue 725 from Glutamine to Proline. This variant has been observed in at least one proband with an ABCB4-related disorder (PMID:29304564). It is absent or not present at a significant frequency in gnomAD. In silico models predict that this variant is possibly or probably damaging. In conclusion, we classify ABCB4 p.Gln725Pro (c.2174_2175delinsCC) as a variant of uncertain significance.

Literature cited by the submitters: PubMed 29304564.

NM_000443.4(ABCB4):c.2174_2175delinsCC (p.Gln725Pro)

Gene: ABCB4 (ATP binding cassette subfamily B member 4; minus strand). Cytogenetic location: 7q21.12.
Variant type: Indel.
Coding change: c.2174_2175delinsCC on transcript NM_000443.4 (MANE Select); coding-DNA positions 2174 to 2175, AG replaced by CC.
Protein change: p.Gln725Pro; replaces glutamine 725 with proline.
Molecular consequence: missense variant.
Genome position (GRCh38, 1-based): chr7:87,423,942-87,423,943, CT replaced by GG on the plus strand (AG replaced by CC on the coding strand, the reverse complement: ABCB4 is on the minus strand). VCF-style: chr7-87423942-CT-GG. GRCh37 (hg19) VCF-style: chr7-87053258-CT-GG.
Other names: c.2174_2175delinsCC, p.Gln725Pro (NM_018849.3, NM_018850.3); short protein forms Q725P.
Identifiers: ClinVar variation 4846590 (VCV004846590.1).